The following is an entry in ClinVar:

ClinVar aggregate classification (germline): Uncertain significance. Review status: criteria provided, multiple submitters, no conflicts (2 of 4 stars). 2 submissions from 2 submitters: Uncertain significance (2). Last evaluated 2025-01-09.

Conditions:
Cardiovascular phenotype. Identifiers: MedGen CN230736.
Ehlers-Danlos syndrome, classic type, 1 (EDSCL1). Also called: EHLERS-DANLOS SYNDROME, GRAVIS TYPE; EHLERS-DANLOS SYNDROME, SEVERE CLASSIC TYPE; Ehlers-Danlos syndrome, type 1; Ehlers-Danlos Syndrome, Classic Type, COL5A1-Related; EDS I. Identifiers: MedGen C0268335, MONDO:0019567, OMIM 130000.
Osteogenesis imperfecta type I (OI1). Also called: OI, TYPE I; OSTEOGENESIS IMPERFECTA TARDA; OSTEOGENESIS IMPERFECTA WITH BLUE SCLERAE; Osteogenesis imperfecta type 1; Lobstein's Disease; Lobstein disease. Identifiers: Orphanet 216796, Orphanet 666, MedGen C0023931, MONDO:0008146, OMIM 166200. Disease mechanism: loss of function.

Submissions (2):

Ambry Genetics
Classification: Uncertain significance for Cardiovascular phenotype. Last evaluated: 2025-01-09. Review status: criteria provided, single submitter. Criteria: Ambry Variant Classification Scheme 2023. Collection method: clinical testing. Allele origin: germline.
Comment: The p.P324S variant (also known as c.970C>T), located in coding exon 19 of the COL1A2 gene, results from a C to T substitution at nucleotide position 970. The proline at codon 324 is replaced by serine, an amino acid with similar properties. This amino acid position is highly conserved in available vertebrate species. In addition, the in silico prediction for this alteration is inconclusive. Based on the available evidence, the clinical significance of this variant remains unclear.

Labcorp Genetics (formerly Invitae), Labcorp
Classification: Uncertain significance for Osteogenesis imperfecta type I; Ehlers-Danlos syndrome, classic type, 1. Last evaluated: 2021-10-17. Review status: criteria provided, single submitter. Criteria: Invitae Variant Classification Sherloc (09022015). Collection method: clinical testing. Allele origin: germline.
Comment: In summary, the available evidence is currently insufficient to determine the role of this variant in disease. Therefore, it has been classified as a Variant of Uncertain Significance. Advanced modeling of protein sequence and biophysical properties (such as structural, functional, and spatial information, amino acid conservation, physicochemical variation, residue mobility, and thermodynamic stability) performed at Invitae indicates that this missense variant is not expected to disrupt COL1A2 protein function. This variant has not been reported in the literature in individuals affected with COL1A2-related conditions. This variant is not present in population databases (gnomAD no frequency). This sequence change replaces proline, which is neutral and non-polar, with serine, which is neutral and polar, at codon 324 of the COL1A2 protein (p.Pro324Ser).

NM_000089.4(COL1A2):c.970C>T (p.Pro324Ser)

Gene: COL1A2 (collagen type I alpha 2 chain; plus strand). Cytogenetic location: 7q21.3.
Variant type: single nucleotide variant.
Coding change: c.970C>T on transcript NM_000089.4 (MANE Select); coding-DNA position 970, C replaced by T.
Protein change: p.Pro324Ser; replaces proline 324 with serine.
Molecular consequence: missense variant.
Genome position (GRCh38, 1-based): chr7:94,409,756, C>T. VCF-style: chr7-94409756-C-T. GRCh37 (hg19) VCF-style: chr7-94039068-C-T.
Other names: c.970C>T (NM_000089.3); short protein forms P324S.
Identifiers: ClinVar variation 1497577 (VCV001497577.7), dbSNP rs2115894024, ClinGen allele CA368220892.